The following is an entry in ClinVar:

NM_000180.4(GUCY2D):c.2708A>C (p.Asp903Ala)

Gene: GUCY2D (guanylate cyclase 2D, retinal; plus strand). Cytogenetic location: 17p13.1.
Variant type: single nucleotide variant.
Coding change: c.2708A>C on transcript NM_000180.4 (MANE Select); coding-DNA position 2708, A replaced by C.
Protein change: p.Asp903Ala; replaces aspartic acid 903 with alanine.
Molecular consequence: missense variant.
Genome position (GRCh38, 1-based): chr17:8,014,990, A>C. VCF-style: chr17-8014990-A-C. GRCh37 (hg19) VCF-style: chr17-7918308-A-C.
Other names: short protein forms D903A.
Identifiers: ClinVar variation 3758457 (VCV003758457.4).
Genomic context (GRCh38, chr17:8,014,990, plus strand): 5'-TTAGTGACATTGTGGGCTTCACCACCATCTCTGCCATGAGTGAGCCCATTGAGGTTGTGG[A>C]CCTGCTCAACGATCTCTACACACTCTTTGATGCCATCATTGGTTCCCACGATGTCTACAA-3'
Protein context (NP_000171.1, residues 893-913): SAMSEPIEVV[Asp903Ala]LLNDLYTLFD

ClinVar aggregate classification (germline): Uncertain significance. Review status: criteria provided, multiple submitters, no conflicts (2 of 4 stars). 2 submissions from 2 submitters: Uncertain significance (2). Last evaluated 2025-09-04.

Conditions:
Leber congenital amaurosis 1 (LCA1). Also called: Congenital absence of the rods and cones; Leber's congenital tapetoretinal degeneration; Leber's congenital tapetoretinal dysplasia; AMAUROSIS CONGENITA OF LEBER I; RETINAL BLINDNESS, CONGENITAL. Identifiers: Orphanet 65, MedGen C2931258, MONDO:0008764, OMIM 204000.
Cone-rod dystrophy 6 (CORD6). Also called: RETINAL CONE DYSTROPHY 2; Cone dystrophy progressive. Identifiers: Orphanet 1872, MedGen C1866293, MONDO:0011143, OMIM 601777.

Submissions (2):

Dasa
Classification: Uncertain significance. Last evaluated: 2025-09-04. Review status: criteria provided, single submitter. Criteria: DASA Assertion Criteria. Collection method: clinical testing. Allele origin: germline.
Comment: NM_000180.4(GUCY2D):c.2708A>C (p.Asp903Ala) is a missense variant that results in the substitution of aspartic acid with alanine. The affected residue or protein region has prior evidence supporting clinical relevance. This variant is absent from population databases. The currently available literature and clinical evidence are not sufficient to establish a definitive association between this variant and the reported condition. Therefore, this variant is classified as a variant of uncertain significance.

Labcorp Genetics (formerly Invitae), Labcorp
Classification: Uncertain significance for Leber congenital amaurosis 1; Cone-rod dystrophy 6. Last evaluated: 2025-05-14. Review status: criteria provided, single submitter. Criteria: Invitae Variant Classification Sherloc (09022015). Collection method: clinical testing. Allele origin: germline.
Comment: This sequence change replaces aspartic acid, which is acidic and polar, with alanine, which is neutral and non-polar, at codon 903 of the GUCY2D protein (p.Asp903Ala). This variant is not present in population databases (gnomAD no frequency). This variant has not been reported in the literature in individuals affected with GUCY2D-related conditions. ClinVar contains an entry for this variant (Variation ID: 3758457). Invitae Evidence Modeling of protein sequence and biophysical properties (such as structural, functional, and spatial information, amino acid conservation, physicochemical variation, residue mobility, and thermodynamic stability) has been performed for this missense variant. However, the output from this modeling did not meet the statistical confidence thresholds required to predict the impact of this variant on GUCY2D protein function. In summary, the available evidence is currently insufficient to determine the role of this variant in disease. Therefore, it has been classified as a Variant of Uncertain Significance.